The following is an entry in ClinVar:

ClinVar aggregate classification (germline): Conflicting classifications of pathogenicity. Review status: criteria provided, conflicting classifications (1 of 4 stars). 2 submissions from 2 submitters: Likely pathogenic (1); Uncertain significance (1). Last evaluated 2022-12-21.

Conditions:
Charcot-Marie-Tooth Neuropathy X. Identifiers: MedGen CN118851.
PRPS1-related disorder. Also called: PRPS1-related condition.

Submissions (2):

Blueprint Genetics
Classification: Likely pathogenic for PRPS1-related disorders. Last evaluated: 2022-12-21. Review status: criteria provided, single submitter. Criteria: ACMG Guidelines, 2015. Collection method: clinical testing. Allele origin: germline. Affected: yes. Observed: 1 variant allele.

Labcorp Genetics (formerly Invitae), Labcorp
Classification: Uncertain significance for Charcot-Marie-Tooth Neuropathy X. Last evaluated: 2022-08-15. Review status: criteria provided, single submitter. Criteria: Invitae Variant Classification Sherloc (09022015). Collection method: clinical testing. Allele origin: germline.
Comment: This sequence change replaces proline, which is neutral and non-polar, with leucine, which is neutral and non-polar, at codon 90 of the PRPS1 protein (p.Pro90Leu). In summary, the available evidence is currently insufficient to determine the role of this variant in disease. Therefore, it has been classified as a Variant of Uncertain Significance. Algorithms developed to predict the effect of missense changes on protein structure and function are either unavailable or do not agree on the potential impact of this missense change (SIFT: "Deleterious"; PolyPhen-2: "Probably Damaging"; Align-GVGD: "Class C0"). This variant has not been reported in the literature in individuals affected with PRPS1-related conditions. This variant is not present in population databases (gnomAD no frequency).

NM_002764.4(PRPS1):c.269C>T (p.Pro90Leu)

Gene: PRPS1 (phosphoribosyl pyrophosphate synthetase 1; plus strand). Cytogenetic location: Xq22.3.
Variant type: single nucleotide variant.
Coding change: c.269C>T on transcript NM_002764.4 (MANE Select); coding-DNA position 269, C replaced by T.
Protein change: p.Pro90Leu; replaces proline 90 with leucine.
Molecular consequence: missense variant. On other transcripts: intron variant (1).
Genome position (GRCh38, 1-based): chrX:107,639,441, C>T. VCF-style: chrX-107639441-C-T. GRCh37 (hg19) VCF-style: chrX-106882671-C-T.
Other names: c.-82-5736C>T (NM_001204402.2); short protein forms P90L.
Identifiers: ClinVar variation 2074795 (VCV002074795.5), dbSNP rs2521336760, ClinGen allele CA413805482.